The following is an entry in ClinVar:

NM_001164508.2(NEB):c.1212_1232dup (p.Thr411_Val412insProLysPheLysLeuAspThr)

Gene: NEB (nebulin; minus strand). Cytogenetic location: 2q23.3.
Variant type: Duplication.
Coding change: c.1212_1232dup on transcript NM_001164508.2 (MANE Select); coding-DNA positions 1212 to 1232, 21 bases duplicated (CCCCAAATTCAAGCTCGATAC).
Protein change: p.Thr411_Val412insProLysPheLysLeuAspThr.
Genome position (GRCh38, 1-based): chr2:151,697,569-151,697,589, GTATCGAGCTTGAATTTGGGG duplicated on the plus strand (CCCCAAATTCAAGCTCGATAC on the coding strand, the reverse complement: NEB is on the minus strand); duplicating any 21 consecutive bases within chr2:151,697,569-151,697,591 gives the same sequence; the c. name uses the placement nearest the transcript's 3' end. VCF-style (leftmost placement, unchanged base first): chr2-151697568-A-AGTATCGAGCTTGAATTTGGGG. GRCh37 (hg19) VCF-style: chr2-152554082-A-AGTATCGAGCTTGAATTTGGGG.
Other names: c.1212_1232dup, p.Thr411_Val412insProLysPheLysLeuAspThr (NM_001164507.2, NM_001271208.2, NM_004543.5).
Identifiers: ClinVar variation 3390856 (VCV003390856.2).

ClinVar aggregate classification (germline): Likely pathogenic (1 of 4 stars; one submission).

Conditions:
Nemaline myopathy 2 (NEM2). Also called: Nemaline myopathy 2, autosomal recessive. Identifiers: MedGen C1850569, MONDO:0009725, OMIM 256030.

Submission:

Institute of Medical Genetics and Genomics, Sir Ganga Ram Hospital
Classification: Likely pathogenic for Nemaline myopathy 2. Last evaluated: 2024-12-13. Review status: criteria provided, single submitter. Criteria: ACMG Guidelines, 2015. Collection method: clinical testing. Allele origin: germline. Inheritance: Autosomal recessive inheritance. Affected: yes. Observed: 1 heterozygote.
Comment: The identified 21 base pair duplication in NEB gene is causing the change in protein length[PM4]. The identified variant is also fulfilling the criteria of [PM3 and PM2] . It is identified in trans with another likely pathogenic variant [ c.22716T>G], hence classified as likely pathogenic